The following is an entry in ClinVar:

ClinVar aggregate classification (germline): Uncertain significance (1 of 4 stars; one submission).

Submission:

Labcorp Genetics (formerly Invitae), Labcorp
Classification: Uncertain significance. Last evaluated: 2024-03-28. Review status: criteria provided, single submitter. Criteria: Invitae Variant Classification Sherloc (09022015). Collection method: clinical testing. Allele origin: germline.
Comment: This sequence change replaces proline, which is neutral and non-polar, with alanine, which is neutral and non-polar, at codon 1506 of the SAMD9 protein (p.Pro1506Ala). This variant is present in population databases (no rsID available, gnomAD 0.003%). This variant has not been reported in the literature in individuals affected with SAMD9-related conditions. Advanced modeling of protein sequence and biophysical properties (such as structural, functional, and spatial information, amino acid conservation, physicochemical variation, residue mobility, and thermodynamic stability) performed at Invitae indicates that this missense variant is not expected to disrupt SAMD9 protein function with a negative predictive value of 95%. In summary, the available evidence is currently insufficient to determine the role of this variant in disease. Therefore, it has been classified as a Variant of Uncertain Significance.

NM_017654.4(SAMD9):c.4516C>G (p.Pro1506Ala)

Gene: SAMD9 (sterile alpha motif domain containing 9; minus strand). Cytogenetic location: 7q21.2.
Variant type: single nucleotide variant.
Coding change: c.4516C>G on transcript NM_017654.4 (MANE Select); coding-DNA position 4516, C replaced by G.
Protein change: p.Pro1506Ala; replaces proline 1506 with alanine.
Molecular consequence: missense variant.
Genome position (GRCh38, 1-based): chr7:93,101,582, G>C on the plus strand (C>G on the coding strand, the complement: SAMD9 is on the minus strand). VCF-style: chr7-93101582-G-C. GRCh37 (hg19) VCF-style: chr7-92730895-G-C.
Other names: c.4516C>G, p.Pro1506Ala (NM_001193307.2); short protein forms P1506A.
Identifiers: ClinVar variation 3671153 (VCV003671153.2).